The following is an entry in ClinVar:

NM_001172509.2(SATB2):c.1148C>T (p.Ala383Val)

Gene: SATB2 (SATB homeobox 2; minus strand). Cytogenetic location: 2q33.1.
Variant type: single nucleotide variant.
Coding change: c.1148C>T on transcript NM_001172509.2 (MANE Select); coding-DNA position 1148, C replaced by T.
Protein change: p.Ala383Val; replaces alanine 383 with valine.
Molecular consequence: missense variant.
Genome position (GRCh38, 1-based): chr2:199,348,726, G>A on the plus strand (C>T on the coding strand, the complement: SATB2 is on the minus strand). VCF-style: chr2-199348726-G-A. GRCh37 (hg19) VCF-style: chr2-200213449-G-A.
Other names: c.1148C>T, p.Ala383Val (NM_001172517.1, NM_015265.4); short protein forms A383V.
Identifiers: ClinVar variation 4292511 (VCV004292511.1).

ClinVar aggregate classification (germline): Uncertain significance (1 of 4 stars; one submission).

Conditions:
Chromosome 2q32-q33 deletion syndrome (GLASS). Also called: Glass syndrome; 2q33.1 deletion syndrome. Identifiers: Orphanet 251019, MedGen C2676739, MONDO:0012864, OMIM 612313.

Submission:

3billion
Classification: Uncertain significance for Chromosome 2q32-q33 deletion syndrome. Last evaluated: 2024-07-20. Review status: criteria provided, single submitter. Criteria: ACMG Guidelines, 2015. Collection method: clinical testing. Allele origin: germline. Affected: yes.
Comment: The variant is not observed in the gnomAD v4.0.0 dataset. Predicted Consequence/Location: Missense variant In silico tool predictions suggest damaging effect of the variant on gene or gene product [REVEL: 0.65 (>=0.6, sensitivity 0.68 and specificity 0.92); 3Cnet: 0.89 (>=0.6, sensitivity 0.72 and precision 0.9)]. Therefore, this variant is classified as VUS according to the recommendation of ACMG/AMP guideline.